The following is an entry in ClinVar:

NM_004006.3(DMD):c.4045T>A (p.Ser1349Thr)

Gene: DMD (dystrophin; minus strand). Cytogenetic location: Xp21.1.
Variant type: single nucleotide variant.
Coding change: c.4045T>A on transcript NM_004006.3 (MANE Select); coding-DNA position 4045, T replaced by A.
Protein change: p.Ser1349Thr; replaces serine 1349 with threonine.
Molecular consequence: missense variant.
Genome position (GRCh38, 1-based): chrX:32,438,267, A>T on the plus strand (T>A on the coding strand, the complement: DMD is on the minus strand). VCF-style: chrX-32438267-A-T. GRCh37 (hg19) VCF-style: chrX-32456384-A-T.
Other names: c.4021T>A, p.Ser1341Thr (NM_000109.4); c.4033T>A, p.Ser1345Thr (NM_004009.3); c.3676T>A, p.Ser1226Thr (NM_004010.3); short protein forms S1341T, S1226T, S1345T, S1349T.
Identifiers: ClinVar variation 2753720 (VCV002753720.3), dbSNP rs2524071831, ClinGen allele CA412669255.

ClinVar aggregate classification (germline): Uncertain significance (1 of 4 stars; one submission).

Conditions:
Duchenne muscular dystrophy (DMD). Also called: MUSCULAR DYSTROPHY, PSEUDOHYPERTROPHIC PROGRESSIVE, DUCHENNE TYPE; Duchenne Muscular Dystrophy (DMD). Identifiers: Orphanet 98896, MedGen C0013264, MONDO:0010679, OMIM 310200.

Submission:

Labcorp Genetics (formerly Invitae), Labcorp
Classification: Uncertain significance for Duchenne muscular dystrophy. Last evaluated: 2023-08-18. Review status: criteria provided, single submitter. Criteria: Invitae Variant Classification Sherloc (09022015). Collection method: clinical testing. Allele origin: germline.
Comment: This sequence change replaces serine, which is neutral and polar, with threonine, which is neutral and polar, at codon 1349 of the DMD protein (p.Ser1349Thr). This variant is not present in population databases (gnomAD no frequency). This variant has not been reported in the literature in individuals affected with DMD-related conditions. Advanced modeling of protein sequence and biophysical properties (such as structural, functional, and spatial information, amino acid conservation, physicochemical variation, residue mobility, and thermodynamic stability) performed at Invitae indicates that this missense variant is not expected to disrupt DMD protein function. In summary, the available evidence is currently insufficient to determine the role of this variant in disease. Therefore, it has been classified as a Variant of Uncertain Significance.